The following is an entry in ClinVar:

NM_000215.4(JAK3):c.2817C>A (p.Tyr939Ter)

Gene: JAK3 (Janus kinase 3; minus strand). Cytogenetic location: 19p13.11.
Variant type: single nucleotide variant.
Coding change: c.2817C>A on transcript NM_000215.4 (MANE Select); coding-DNA position 2817, C replaced by A.
Protein change: p.Tyr939Ter; replaces tyrosine 939 with a stop codon.
Molecular consequence: nonsense.
Genome position (GRCh38, 1-based): chr19:17,831,389, G>T on the plus strand (C>A on the coding strand, the complement: JAK3 is on the minus strand). VCF-style: chr19-17831389-G-T. GRCh37 (hg19) VCF-style: chr19-17942198-G-T.
Other names: short protein forms Y939*.
Identifiers: ClinVar variation 3583518 (VCV003583518.3).

ClinVar aggregate classification (germline): Pathogenic/Likely pathogenic. Review status: criteria provided, multiple submitters, no conflicts (2 of 4 stars). 2 submissions from 2 submitters: Pathogenic (1); Likely pathogenic (1). Last evaluated 2024-05-07.

Conditions:
T-B+ severe combined immunodeficiency due to JAK3 deficiency. Also called: SCID, T CELL-NEGATIVE, B CELL-POSITIVE, NK CELL-NEGATIVE; SCID, autosomal recessive, T-negative/B-positive type. Identifiers: Orphanet 35078, MedGen C1833275, MONDO:0010938, OMIM 600802.

Submissions (2):

Fulgent Genetics
Classification: Likely pathogenic for T-B+ severe combined immunodeficiency due to JAK3 deficiency. Last evaluated: 2024-05-07. Review status: criteria provided, single submitter. Criteria: ACMG Guidelines, 2015. Collection method: clinical testing. Allele origin: germline.

Labcorp Genetics (formerly Invitae), Labcorp
Classification: Pathogenic for T-B+ severe combined immunodeficiency due to JAK3 deficiency. Last evaluated: 2024-03-19. Review status: criteria provided, single submitter. Criteria: Invitae Variant Classification Sherloc (09022015). Collection method: clinical testing. Allele origin: germline.
Comment: This sequence change creates a premature translational stop signal (p.Tyr939*) in the JAK3 gene. It is expected to result in an absent or disrupted protein product. Loss-of-function variants in JAK3 are known to be pathogenic (PMID: 7481768, 11668621). This variant is not present in population databases (gnomAD no frequency). This variant has not been reported in the literature in individuals affected with JAK3-related conditions. For these reasons, this variant has been classified as Pathogenic.

Literature cited by the submitters: PubMed 7481768 (cited by Labcorp Genetics (formerly Invitae), Labcorp); PubMed 11668621 (cited by Labcorp Genetics (formerly Invitae), Labcorp).